The following is an entry in ClinVar:

NM_001378183.1(PIEZO2):c.8257A>G (p.Ile2753Val)

Gene: PIEZO2 (piezo type mechanosensitive ion channel component 2; minus strand). Cytogenetic location: 18p11.22.
Variant type: single nucleotide variant.
Coding change: c.8257A>G on transcript NM_001378183.1 (MANE Select); coding-DNA position 8257, A replaced by G.
Protein change: p.Ile2753Val; replaces isoleucine 2753 with valine.
Molecular consequence: missense variant.
Genome position (GRCh38, 1-based): chr18:10,672,778, T>C on the plus strand (A>G on the coding strand, the complement: PIEZO2 is on the minus strand). VCF-style: chr18-10672778-T-C. GRCh37 (hg19) VCF-style: chr18-10672775-T-C.
Other names: c.7993A>G, p.Ile2665Val (NM_001410871.1); c.7918A>G, p.Ile2640Val (NM_022068.4); short protein forms I2640V, I2665V, I2753V.
Identifiers: ClinVar variation 4861835 (VCV004861835.1).

ClinVar aggregate classification (germline): Uncertain significance (1 of 4 stars; one submission).

Conditions:
Inborn genetic diseases. Identifiers: MedGen C0950123, MeSH D030342.

gnomAD v4.1: 5 of 1,614,056 alleles (0.00031%); highest among the groups gnomAD compares: Non-Finnish European, 0.00042%; no homozygotes.

Submission:

Ambry Genetics
Classification: Uncertain significance for Inborn genetic diseases. Last evaluated: 2026-05-23. Review status: criteria provided, single submitter. Criteria: Ambry Variant Classification Scheme 2023. Collection method: clinical testing. Allele origin: germline.
Comment: The c.7918A>G (p.I2640V) alteration is located in exon 51 (coding exon 51) of the PIEZO2 gene. This alteration results from a A to G substitution at nucleotide position 7918, causing the isoleucine (I) at amino acid position 2640 to be replaced by a valine (V). Based on data from gnomAD, the G allele has an overall frequency of <0.001% (1/251434) total alleles studied. The highest observed frequency was 0.001% (1/113728) of European (non-Finnish) alleles. Based on insufficient or conflicting evidence, the clinical significance of this alteration remains unclear.